The following is an entry in ClinVar:

ClinVar aggregate classification (germline): Uncertain significance (1 of 4 stars; one submission).

Submission:

GeneDx
Classification: Uncertain significance. Last evaluated: 2023-06-21. Review status: criteria provided, single submitter. Criteria: GeneDx Variant Classification Process June 2021. Collection method: clinical testing. Allele origin: germline. Affected: yes.
Comment: Has not been previously published as pathogenic or benign to our knowledge; In-frame deletion of 1 amino acids in a non-repeat region; In silico analysis supports a deleterious effect on protein structure/function; Not observed at significant frequency in large population cohorts (gnomAD)

NM_006005.3(WFS1):c.985TTC[2] (p.Phe331del)

Gene: WFS1 (wolframin ER transmembrane glycoprotein; plus strand). Cytogenetic location: 4p16.1.
Variant type: Microsatellite.
Coding change: c.985TTC[2] on transcript NM_006005.3 (MANE Select); two copies in a row of the 3-base unit TTC starting at c.985; the reference has three copies in a row; one copy, 3 bases deleted; also written c.991_993del.
Protein change: p.Phe331del; deletes phenylalanine 331.
Genome position (GRCh38, 1-based): chr4:6,300,786-6,300,788, TTC deleted; deleting any 3 consecutive bases within chr4:6,300,778-6,300,788 gives the same sequence; the position shown is the placement nearest the transcript's 3' end. VCF-style (leftmost placement, unchanged base first): chr4-6300777-ATCT-A. GRCh37 (hg19) VCF-style: chr4-6302504-ATCT-A.
Other names: c.991_993del (NM_006005.3); c.985TTC[2], p.Phe331del (NM_001145853.1); short protein forms F331del.
Identifiers: ClinVar variation 3360183 (VCV003360183.1).